The following is an entry in ClinVar:

ClinVar aggregate classification (germline): Uncertain significance (1 of 4 stars; one submission).

Conditions:
ABCB4-related disorder. Also called: ABCB4-related disorders; ABCB4-related condition.

Submission:

PreventionGenetics, part of Exact Sciences
Classification: Uncertain significance for ABCB4-related condition. Last evaluated: 2026-06-28. Review status: criteria provided, single submitter. Criteria: ACMG Guidelines, 2015. Collection method: clinical testing. Allele origin: germline.
Comment: The ABCB4 c.1403T>C variant is predicted to result in the amino acid substitution p.Leu468Pro. To our knowledge, this variant has not been reported in the literature or in a large population database (gnomAD), indicating this variant is rare. At this time, the clinical significance of this variant is uncertain due to the absence of conclusive functional and genetic evidence.

NM_000443.4(ABCB4):c.1403T>C (p.Leu468Pro)

Gene: ABCB4 (ATP binding cassette subfamily B member 4; minus strand). Cytogenetic location: 7q21.12.
Variant type: single nucleotide variant.
Coding change: c.1403T>C on transcript NM_000443.4 (MANE Select); coding-DNA position 1403, T replaced by C.
Protein change: p.Leu468Pro; replaces leucine 468 with proline.
Molecular consequence: missense variant.
Genome position (GRCh38, 1-based): chr7:87,440,356, A>G on the plus strand (T>C on the coding strand, the complement: ABCB4 is on the minus strand). VCF-style: chr7-87440356-A-G. GRCh37 (hg19) VCF-style: chr7-87069672-A-G.
Other names: c.1403T>C, p.Leu468Pro (NM_018849.3, NM_018850.3); short protein forms L468P.
Identifiers: ClinVar variation 4993216 (VCV004993216.1).